The following is an entry in ClinVar:

NM_004937.3(CTNS):c.823G>A (p.Ala275Thr)

Gene: CTNS (cystinosin, lysosomal cystine transporter; plus strand). Cytogenetic location: 17p13.2.
Variant type: single nucleotide variant.
Coding change: c.823G>A on transcript NM_004937.3 (MANE Select); coding-DNA position 823, G replaced by A.
Protein change: p.Ala275Thr; replaces alanine 275 with threonine.
Molecular consequence: missense variant.
Genome position (GRCh38, 1-based): chr17:3,658,146, G>A. VCF-style: chr17-3658146-G-A. GRCh37 (hg19) VCF-style: chr17-3561440-G-A.
Other names: c.823G>A, p.Ala275Thr (NM_001031681.3, NM_001374492.1); c.382G>A, p.Ala128Thr (NM_001374493.1, NM_001374494.1, NM_001374495.1 and 1 more transcripts); short protein forms A275T, A128T.
Identifiers: ClinVar variation 889207 (VCV000889207.13), dbSNP rs752869556, ClinGen allele CA8291901.
Genomic context (GRCh38, chr17:3,658,146, plus strand): 5'-GCTGCAGTGGGAGTGACCACGTGGCTGCAGTTTCTCTTCTGCTTCTCCTACATCAAGCTC[G>A]CAGTCACGCTGGTCAAGTATTTTCCACAGGTACCTCCAGGGCCCTGTTCACATGGCCGGT-3'
Protein context (NP_004928.2, residues 265-285): FLFCFSYIKL[Ala275Thr]VTLVKYFPQA

ClinVar aggregate classification (germline): Uncertain significance. Review status: criteria provided, multiple submitters, no conflicts (2 of 4 stars). 5 submissions from 4 submitters: Uncertain significance (5). Last evaluated 2024-10-19.

Conditions:
Nephropathic cystinosis (CTNS). Also called: CYSTINOSIN, DEFECT OF; LYSOSOMAL CYSTINE TRANSPORT PROTEIN, DEFECT OF; Abderhalden Lignac Kaufmann disease; Abderhalden-Kaufmann-Lignac syndrome. Identifiers: Orphanet 213, Orphanet 411629, MedGen C2931187, MONDO:0100151, OMIM 219800.
Ocular cystinosis. Also called: Non-Nephropathic (Ocular) Cystinosis; Non-Nephropathic Cystinosis. Identifiers: Orphanet 213, Orphanet 411641, MedGen C2931013, MONDO:0009064, OMIM 219750.
Juvenile nephropathic cystinosis. Also called: Later-Onset (Juvenile) Cystinosis; Intermediate Cystinosis; CYSTINOSIS, LATE-ONSET JUVENILE OR ADOLESCENT NEPHROPATHIC TYPE. Identifiers: Orphanet 213, Orphanet 411634, MedGen C0268626, MONDO:0009066, OMIM 219900.
Inborn genetic diseases. Identifiers: MedGen C0950123, MeSH D030342.

Allele frequency attached by ClinVar (database versions not stated): TOPMed 0.00002; gnomAD exomes 0.00003 and 0.00004; ExAC 0.00007; gnomAD 0.00001 and 0.00002.
gnomAD v4.1: 44 of 1,612,002 alleles (0.0027%); highest among the groups gnomAD compares: South Asian, 0.033%; 1 homozygote.

Submissions (5):

Ambry Genetics
Classification: Uncertain significance for Inborn genetic diseases. Last evaluated: 2024-10-19. Review status: criteria provided, single submitter. Criteria: Ambry Variant Classification Scheme 2023. Collection method: clinical testing. Allele origin: germline.

Labcorp Genetics (formerly Invitae), Labcorp
Classification: Uncertain significance for Inborn genetic diseases; Ocular cystinosis; Juvenile nephropathic cystinosis. Last evaluated: 2022-08-10. Review status: criteria provided, single submitter. Criteria: Invitae Variant Classification Sherloc (09022015). Collection method: clinical testing. Allele origin: germline.
Comment: This sequence change replaces alanine, which is neutral and non-polar, with threonine, which is neutral and polar, at codon 275 of the CTNS protein (p.Ala275Thr). This variant is present in population databases (rs752869556, gnomAD 0.04%). This variant has not been reported in the literature in individuals affected with CTNS-related conditions. ClinVar contains an entry for this variant (Variation ID: 889207). Advanced modeling of protein sequence and biophysical properties (such as structural, functional, and spatial information, amino acid conservation, physicochemical variation, residue mobility, and thermodynamic stability) performed at Invitae indicates that this missense variant is not expected to disrupt CTNS protein function. In summary, the available evidence is currently insufficient to determine the role of this variant in disease. Therefore, it has been classified as a Variant of Uncertain Significance.

Fulgent Genetics
Classification: Uncertain significance for Ocular cystinosis; Nephropathic cystinosis; Juvenile nephropathic cystinosis. Last evaluated: 2021-12-21. Review status: criteria provided, single submitter. Criteria: ACMG Guidelines, 2015. Collection method: clinical testing. Allele origin: unknown.

Illumina Laboratory Services, Illumina
Classification: Uncertain significance for Ocular cystinosis. Last evaluated: 2018-01-13. Review status: criteria provided, single submitter. Criteria: ICSL Variant Classification Criteria 13 December 2019. Collection method: clinical testing. Allele origin: germline.

Illumina Laboratory Services, Illumina
Classification: Uncertain significance for Nephropathic cystinosis. Last evaluated: 2018-01-13. Review status: criteria provided, single submitter. Criteria: ICSL Variant Classification Criteria 13 December 2019. Collection method: clinical testing. Allele origin: germline.